The following is an entry in ClinVar:

NM_020686.6(ABAT):c.829_832del (p.Leu276_Ile277insTer)

Gene: ABAT (4-aminobutyrate aminotransferase; plus strand). Cytogenetic location: 16p13.2.
Variant type: Deletion.
Coding change: c.829_832del on transcript NM_020686.6 (MANE Select); coding-DNA positions 829 to 832, 4 bases deleted (ATTG; older notation c.829_832delATTG).
Protein change: p.Leu276_Ile277insTer.
Molecular consequence: nonsense. On other transcripts: intron variant (1).
Genome position (GRCh38, 1-based): chr16:8,772,792-8,772,795, ATTG deleted; deleting any 4 consecutive bases within chr16:8,772,790-8,772,795 gives the same sequence; the c. name uses the placement nearest the transcript's 3' end. VCF-style (leftmost placement, unchanged base first): chr16-8772789-CTGAT-C. GRCh37 (hg19) VCF-style: chr16-8866646-CTGAT-C.
Other names: c.829_832del, p.Leu276_Ile277insTer (NM_000663.5, NM_001127448.2, NM_001386600.1 and 6 more transcripts); c.766_769del, p.Leu255_Ile256insTer (NM_001386606.1, NM_001386607.1); c.736_739del, p.Leu245_Ile246insTer (NM_001386608.1); c.694_697del, p.Leu231_Ile232insTer (NM_001386610.1, NM_001386611.1); c.631_634del, p.Leu210_Ile211insTer (NM_001386612.1, NM_001386613.1); c.583_586del, p.Leu194_Ile195insTer (NM_001386614.1); c.925_928del, p.Leu308_Ile309insTer (NM_001386615.1); c.817-27_817-24del (NM_001386605.1).
Identifiers: ClinVar variation 2131506 (VCV002131506.4), dbSNP rs2549102675, ClinGen allele CA2575906148.

ClinVar aggregate classification (germline): Pathogenic (1 of 4 stars; one submission).

Conditions:
Gamma-aminobutyric acid transaminase deficiency (GABATD). Also called: GABA aminotransaminase deficiency; GABA transaminase deficiency; Gamma aminobutyrate transaminase deficiency; 4 alpha aminobutyrate transaminase deficiency. Identifiers: Orphanet 2066, MedGen C0342708, MONDO:0013166, OMIM 613163.

Submission:

Labcorp Genetics (formerly Invitae), Labcorp
Classification: Pathogenic for Gamma-aminobutyric acid transaminase deficiency. Last evaluated: 2022-04-28. Review status: criteria provided, single submitter. Criteria: Invitae Variant Classification Sherloc (09022015). Collection method: clinical testing. Allele origin: germline.
Comment: For these reasons, this variant has been classified as Pathogenic. This variant has not been reported in the literature in individuals affected with ABAT-related conditions. This variant is not present in population databases (gnomAD no frequency). This sequence change creates a premature translational stop signal (p.Ile277*) in the ABAT gene. It is expected to result in an absent or disrupted protein product. Loss-of-function variants in ABAT are known to be pathogenic (PMID: 20052547, 25738457).

Literature cited by the submitters: PubMed 20052547; PubMed 25738457.